The following is an entry in ClinVar:

ClinVar aggregate classification (germline): Conflicting classifications of pathogenicity. Review status: criteria provided, conflicting classifications (1 of 4 stars). 11 submissions from 11 submitters: Uncertain significance (1); Benign (2); Likely benign (6). 2 of the submissions do not count toward it. Last evaluated 2026-08-01.

Conditions:
DMD-related disorder. Also called: DMD-related condition.
Becker muscular dystrophy (BMD). Also called: MUSCULAR DYSTROPHY, PSEUDOHYPERTROPHIC PROGRESSIVE, BECKER TYPE; Becker Muscular Dystrophy (BMD). Identifiers: Orphanet 98895, MedGen C0917713, MONDO:0010311, OMIM 300376.
Cardiomyopathy (CMYO). Also called: Cardiomyopathies. Identifiers: Orphanet 167848, MedGen C0878544, MONDO:0004994, HP:0001638. Inheritance: Various modes of inheritance.
Duchenne muscular dystrophy (DMD). Also called: MUSCULAR DYSTROPHY, PSEUDOHYPERTROPHIC PROGRESSIVE, DUCHENNE TYPE; Duchenne Muscular Dystrophy (DMD). Identifiers: Orphanet 98896, MedGen C0013264, MONDO:0010679, OMIM 310200.
Dystrophin deficiency.
Cardiovascular phenotype. Identifiers: MedGen CN230736.

Allele frequency attached by ClinVar (database versions not stated): TOPMed 0.00082; 1000 Genomes Project 0.00106; 1000 Genomes Project 30x 0.00125; gnomAD exomes 0.00009 and 0.00019; ExAC 0.00024; ESP Exome Variant Server 0.00057; gnomAD 0.00072 and 0.00073.
gnomAD v4.1: 182 of 1,209,907 alleles (0.015%); highest among the groups gnomAD compares: African/African-American, 0.24%; no homozygotes.

Submissions (11):

CeGaT Center for Human Genetics Tuebingen
Classification: Likely benign. Last evaluated: 2026-08-01. Review status: criteria provided, single submitter. Criteria: CeGaT Center For Human Genetics Tuebingen Variant Classification Criteria Version 2. Collection method: clinical testing. Allele origin: germline. Affected: yes. Observed: 2 variant alleles.
Comment: DMD: BP4, BS2

Labcorp Genetics (formerly Invitae), Labcorp
Classification: Benign for Duchenne muscular dystrophy. Last evaluated: 2026-02-03. Review status: criteria provided, single submitter. Criteria: Invitae Variant Classification Sherloc (09022015). Collection method: clinical testing. Allele origin: germline.

ARUP Laboratories, Molecular Genetics and Genomics, ARUP Laboratories
Classification: Likely benign. Last evaluated: 2025-07-08. Review status: criteria provided, single submitter. Criteria: ARUP Molecular Germline Variant Investigation Process 2024. Collection method: clinical testing. Allele origin: germline.

Blueprint Genetics
Classification: Likely benign. Last evaluated: 2023-11-13. Review status: criteria provided, single submitter. Criteria: ACMG Guidelines, 2015. Collection method: clinical testing. Allele origin: germline.

Women's Health and Genetics/Laboratory Corporation of America, LabCorp
Classification: Benign. Last evaluated: 2020-03-30. Review status: criteria provided, single submitter. Criteria: LabCorp Variant Classification Summary - May 2015. Collection method: clinical testing. Allele origin: germline.
Comment: Variant summary: DMD c.1731A>T (p.Glu577Asp) results in a conservative amino acid change in the encoded protein sequence. Four of five in-silico tools predict a benign effect of the variant on protein function. The variant allele was found at a frequency of 0.00019 in 183229 control chromosomes (including 17/75917 hemizygotes). The observed variant frequency is approximately 17 fold of the estimated maximal expected allele frequency for a pathogenic variant in DMD causing Dystrophinopathies phenotype (1.1e-05), strongly suggesting that the variant is benign. To our knowledge, no occurrence of c.1731A>T in individuals affected with Dystrophinopathies and no experimental evidence demonstrating its impact on protein function have been reported. Four clinical diagnostic laboratories have submitted clinical-significance assessments for this variant to ClinVar after 2014 without evidence for independent evaluation (likely benign/benign n=3, VUS n=1). Based on the evidence outlined above, the variant was classified as benign.

Eurofins Ntd Llc (ga)
Classification: Uncertain significance. Last evaluated: 2018-09-14. Review status: criteria provided, single submitter. Criteria: EGL ClinVar v180209 classification definitions. Collection method: clinical testing. Allele origin: germline. Observed: 7 variant alleles, 4 heterozygotes, 1 homozygote, 2 hemizygotes.

Ambry Genetics
Classification: Likely benign for Cardiovascular phenotype. Last evaluated: 2018-07-25. Review status: criteria provided, single submitter. Criteria: Ambry Variant Classification Scheme 2023. Collection method: clinical testing. Allele origin: germline.

GeneDx
Classification: Likely benign. Last evaluated: 2017-04-14. Review status: criteria provided, single submitter. Criteria: GeneDx Variant Classification (06012015). Collection method: clinical testing. Allele origin: germline. Affected: yes.
Comment: This variant is considered likely benign or benign based on one or more of the following criteria: it is a conservative change, it occurs at a poorly conserved position in the protein, it is predicted to be benign by multiple in silico algorithms, and/or has population frequency not consistent with disease.

Molecular Diagnostic Laboratory for Inherited Cardiovascular Disease, Montreal Heart Institute
Classification: Likely benign. Review status: criteria provided, single submitter. Criteria: ACMG Guidelines, 2015. Collection method: clinical testing. Allele origin: germline. Affected: yes.

PreventionGenetics, part of Exact Sciences
Classification: Likely benign for DMD-related condition. Last evaluated: 2023-06-08. Review status: no assertion criteria provided. Collection method: clinical testing. Allele origin: germline. Not counted in ClinVar's aggregate classification.
Comment: This variant is classified as likely benign based on ACMG/AMP sequence variant interpretation guidelines (Richards et al. 2015 PMID: 25741868, with internal and published modifications).

Natera, Inc.
Classification: Likely benign for Becker muscular dystrophy; Cardiomyopathy; Duchenne muscular dystrophy; Dystrophin deficiency. Last evaluated: 2018-04-27. Review status: no assertion criteria provided. Collection method: clinical testing. Allele origin: germline. Not counted in ClinVar's aggregate classification.

NM_004006.3(DMD):c.1731A>T (p.Glu577Asp)

Gene: DMD (dystrophin; minus strand). Cytogenetic location: Xp21.1.
Variant type: single nucleotide variant.
Coding change: c.1731A>T on transcript NM_004006.3 (MANE Select); coding-DNA position 1731, A replaced by T.
Protein change: p.Glu577Asp; replaces glutamic acid 577 with aspartic acid.
Molecular consequence: missense variant.
Genome position (GRCh38, 1-based): chrX:32,573,611, T>A on the plus strand (A>T on the coding strand, the complement: DMD is on the minus strand). VCF-style: chrX-32573611-T-A. GRCh37 (hg19) VCF-style: chrX-32591728-T-A.
Other names: p.E577D:GAA>GAT; c.1707A>T, p.Glu569Asp (NM_000109.4); c.1719A>T, p.Glu573Asp (NM_004009.3); c.1362A>T, p.Glu454Asp (NM_004010.3); short protein forms E569D, E573D, E454D.
Identifiers: ClinVar variation 94478 (VCV000094478.35), dbSNP rs150199251, ClinGen allele CA285532.
Genomic context (GRCh38, chrX:32,573,611, plus strand): 5'-TAACATTTCATTTTGATCTTTAAAGCCAGTTGTGTGAATCTTGTTCACTGCATCTTCTTT[T>A]TCTGAAAGCCATGCACTAAAAAGGCACTGCAAGACATTAAAGAATTCCAAGGAATAAATA-3'
Protein context (NP_003997.2, residues 567-587): EQCLFSAWLS[Glu577Asp]KEDAVNKIHT